The following is an entry in ClinVar:

ClinVar aggregate classification (germline): Uncertain significance (1 of 4 stars; one submission).

Allele frequency attached by ClinVar (database versions not stated): gnomAD exomes below 0.00001.
gnomAD v4.1: 1 of 1,614,178 alleles (0.000062%); highest among the groups gnomAD compares: Non-Finnish European, 0.000085%; no homozygotes.

Submission:

CeGaT Center for Human Genetics Tuebingen
Classification: Uncertain significance. Last evaluated: 2023-04-01. Review status: criteria provided, single submitter. Criteria: CeGaT Center For Human Genetics Tuebingen Variant Classification Criteria Version 2. Collection method: clinical testing. Allele origin: germline. Affected: yes. Observed: 1 variant allele.
Comment: DEPDC5: PM2, BP1, BP5

NM_001242896.3(DEPDC5):c.1122A>C (p.Leu374Phe)

Gene: DEPDC5 (DEP domain containing 5, GATOR1 subcomplex subunit; plus strand). Cytogenetic location: 22q12.3.
Variant type: single nucleotide variant.
Coding change: c.1122A>C on transcript NM_001242896.3 (MANE Select); coding-DNA position 1122, A replaced by C.
Protein change: p.Leu374Phe; replaces leucine 374 with phenylalanine.
Molecular consequence: missense variant. On other transcripts: non-coding transcript variant (5).
Genome position (GRCh38, 1-based): chr22:31,804,202, A>C. VCF-style: chr22-31804202-A-C. GRCh37 (hg19) VCF-style: chr22-32200188-A-C.
Other names: c.1122A>C, p.Leu374Phe (NM_001007188.4, NM_001136029.4, NM_001242897.2 and 7 more transcripts); c.1038A>C, p.Leu346Phe (NM_001369901.1, NM_001369902.1); short protein forms L346F, L374F.
Identifiers: ClinVar variation 2653078 (VCV002653078.24), dbSNP rs2518914762, ClinGen allele CA411293446.